The following is an entry in ClinVar:

NC_000017.10:g.(?_5289526)_(5342393_?)del

Genes: C1QBP (complement C1q binding protein; minus strand), NUP88 (nucleoporin 88; minus strand), RPAIN (RPA interacting protein; plus strand). Cytogenetic location: 17p13.2.
Variant type: Deletion.
Identifiers: ClinVar variation 3243138 (VCV003243138.1).

ClinVar aggregate classification (germline): Pathogenic (1 of 4 stars; one submission).

Submission:

Labcorp Genetics (formerly Invitae), Labcorp
Classification: Pathogenic. Last evaluated: 2023-08-27. Review status: criteria provided, single submitter. Criteria: Invitae Variant Classification Sherloc (09022015). Collection method: clinical testing. Allele origin: unknown.
Comment: A gross deletion of the genomic region encompassing the full coding sequence of the C1QBP gene has been identified. Loss-of-function variants in C1QBP are known to be pathogenic (PMID: 28498888, 28942965). The boundaries of this event are unknown as they extend beyond the assayed region for this gene and therefore may encompass additional genes. This variant has not been reported in the literature in individuals affected with C1QBP-related conditions. For these reasons, this variant has been classified as Pathogenic.

Literature cited by the submitters: PubMed 28498888; PubMed 28942965.